The following is an entry in ClinVar:

ClinVar aggregate classification (germline): Uncertain significance (1 of 4 stars; one submission).

Conditions:
Sulfite oxidase deficiency due to molybdenum cofactor deficiency type C. Also called: Molybdenum cofactor deficiency, complementation group C; Molybdenum cofactor deficiency C. Identifiers: Orphanet 308400, Orphanet 833, MedGen C1854990, MONDO:0014212, OMIM 615501.

Allele frequency attached by ClinVar (database versions not stated): TOPMed below 0.00001; gnomAD exomes 0.00001; ExAC 0.00002.
gnomAD v4.1: 18 of 1,613,266 alleles (0.0011%); highest among the groups gnomAD compares: Non-Finnish European, 0.0014%; no homozygotes.

Submission:

Labcorp Genetics (formerly Invitae), Labcorp
Classification: Uncertain significance for Sulfite oxidase deficiency due to molybdenum cofactor deficiency type C. Last evaluated: 2023-11-11. Review status: criteria provided, single submitter. Criteria: Invitae Variant Classification Sherloc (09022015). Collection method: clinical testing. Allele origin: germline.
Comment: This sequence change replaces valine, which is neutral and non-polar, with isoleucine, which is neutral and non-polar, at codon 224 of the GPHN protein (p.Val224Ile). This variant is present in population databases (rs753207665, gnomAD 0.003%). This variant has not been reported in the literature in individuals affected with GPHN-related conditions. ClinVar contains an entry for this variant (Variation ID: 861215). Advanced modeling of protein sequence and biophysical properties (such as structural, functional, and spatial information, amino acid conservation, physicochemical variation, residue mobility, and thermodynamic stability) performed at Invitae indicates that this missense variant is not expected to disrupt GPHN protein function with a negative predictive value of 80%. In summary, the available evidence is currently insufficient to determine the role of this variant in disease. Therefore, it has been classified as a Variant of Uncertain Significance.

NM_020806.5(GPHN):c.670G>A (p.Val224Ile)

Gene: GPHN (gephyrin; plus strand). Cytogenetic location: 14q23.3.
Variant type: single nucleotide variant.
Coding change: c.670G>A on transcript NM_020806.5 (MANE Select); coding-DNA position 670, G replaced by A.
Protein change: p.Val224Ile; replaces valine 224 with isoleucine.
Molecular consequence: missense variant.
Genome position (GRCh38, 1-based): chr14:66,922,879, G>A. VCF-style: chr14-66922879-G-A. GRCh37 (hg19) VCF-style: chr14-67389596-G-A.
Other names: c.670G>A, p.Val224Ile (NM_001024218.2, NM_001377515.1, NM_001377516.1 and 2 more transcripts); c.709G>A, p.Val237Ile (NM_001377514.1, NM_001377519.1); short protein forms V237I, V224I.
Identifiers: ClinVar variation 861215 (VCV000861215.9), dbSNP rs753207665, ClinGen allele CA7233795.